The following is an entry in ClinVar:

ClinVar aggregate classification (germline): Uncertain significance (1 of 4 stars; one submission).

Conditions:
Kleefstra syndrome 1 (KLEFS1). Identifiers: Orphanet 261494, MedGen C0795833, MONDO:0027407, OMIM 610253.

Submission:

Labcorp Genetics (formerly Invitae), Labcorp
Classification: Uncertain significance for Kleefstra syndrome 1. Last evaluated: 2023-10-28. Review status: criteria provided, single submitter. Criteria: Invitae Variant Classification Sherloc (09022015). Collection method: clinical testing. Allele origin: germline.
Comment: This sequence change replaces threonine, which is neutral and polar, with proline, which is neutral and non-polar, at codon 139 of the EHMT1 protein (p.Thr139Pro). This variant is not present in population databases (gnomAD no frequency). This variant has not been reported in the literature in individuals affected with EHMT1-related conditions. An algorithm developed to predict the effect of missense changes on protein structure and function (PolyPhen-2) suggests that this variant is likely to be disruptive. In summary, the available evidence is currently insufficient to determine the role of this variant in disease. Therefore, it has been classified as a Variant of Uncertain Significance.

NM_024757.5(EHMT1):c.415A>C (p.Thr139Pro)

Gene: EHMT1 (euchromatic histone lysine methyltransferase 1; plus strand). Cytogenetic location: 9q34.3.
Variant type: single nucleotide variant.
Coding change: c.415A>C on transcript NM_024757.5 (MANE Select); coding-DNA position 415, A replaced by C.
Protein change: p.Thr139Pro; replaces threonine 139 with proline.
Molecular consequence: missense variant.
Genome position (GRCh38, 1-based): chr9:137,716,955, A>C. VCF-style: chr9-137716955-A-C. GRCh37 (hg19) VCF-style: chr9-140611407-A-C.
Other names: c.415A>C, p.Thr139Pro (NM_001145527.2, NM_001354263.2, NM_001354611.2); c.322A>C, p.Thr108Pro (NM_001354259.2, NM_001354612.2); short protein forms T108P, T139P.
Identifiers: ClinVar variation 2772234 (VCV002772234.3), dbSNP rs2541035120, ClinGen allele CA375764999.